The following is an entry in ClinVar:

ClinVar aggregate classification (germline): Uncertain significance (1 of 4 stars; one submission).

Conditions:
Hereditary spastic paraplegia 11. Also called: SPASTIC PARAPLEGIA, AUTOSOMAL RECESSIVE, COMPLICATED, WITH THIN CORPUS CALLOSUM; SPASTIC PARAPLEGIA, AUTOSOMAL RECESSIVE, WITH MENTAL IMPAIRMENT AND THIN CORPUS CALLOSUM; Spastic paraplegia, mental retardation and thin corpus callosum; Nakamura Osame syndrome; Autosomal recessive hereditary spastic paraplegia, mental impairment, and thin corpus callosum; Spastic Paraplegia 11. Identifiers: Orphanet 2822, MedGen C1858479, MONDO:0011445, OMIM 604360.

Submission:

Labcorp Genetics (formerly Invitae), Labcorp
Classification: Uncertain significance for Hereditary spastic paraplegia 11. Last evaluated: 2022-02-24. Review status: criteria provided, single submitter. Criteria: Invitae Variant Classification Sherloc (09022015). Collection method: clinical testing. Allele origin: germline.
Comment: This variant has not been reported in the literature in individuals affected with SPG11-related conditions. In summary, the available evidence is currently insufficient to determine the role of this variant in disease. Therefore, it has been classified as a Variant of Uncertain Significance. Experimental studies and prediction algorithms are not available or were not evaluated, and the functional significance of this variant is currently unknown. This variant is not present in population databases (gnomAD no frequency). This variant, c.3789_3797del, results in the deletion of 3 amino acid(s) of the SPG11 protein (p.Asp1264_Leu1266del), but otherwise preserves the integrity of the reading frame.

NM_025137.4(SPG11):c.3789_3797del (p.Asp1264_Leu1266del)

Gene: SPG11 (SPG11 vesicle trafficking associated, spatacsin; minus strand). Cytogenetic location: 15q21.1.
Variant type: Deletion.
Coding change: c.3789_3797del on transcript NM_025137.4 (MANE Select); coding-DNA positions 3789 to 3797, 9 bases deleted (TGACAGCCT; older notation c.3789_3797delTGACAGCCT).
Protein change: p.Asp1264_Leu1266del.
Molecular consequence: inframe deletion.
Genome position (GRCh38, 1-based): chr15:44,598,726-44,598,734, AGGCTGTCA deleted on the plus strand (TGACAGCCT on the coding strand, the reverse complement: SPG11 is on the minus strand); deleting any 9 consecutive bases within chr15:44,598,726-44,598,738 gives the same sequence; the c. name uses the placement nearest the transcript's 3' end. VCF-style (leftmost placement, unchanged base first): chr15-44598725-GAGGCTGTCA-G. GRCh37 (hg19) VCF-style: chr15-44890923-GAGGCTGTCA-G.
Other names: c.3789_3797del, p.Asp1264_Leu1266del (NM_001160227.2).
Identifiers: ClinVar variation 1506548 (VCV001506548.8), dbSNP rs2140978149, ClinGen allele CA2573151003.
Genomic context (GRCh38, chr15:44,598,725, plus strand): 5'-TTCATTTCTGCACTTGTAGCTCAAAATTATATTGGCCACTTTCATATCAACTCTGAGCTT[GAGGCTGTCA>G]AGGCCAAGCAATTCTAAGAAACAAACACATGCAGCTCCTATTGAAGGTATGTGGAAGGAG-3'